The following is an entry in ClinVar:

NM_000066.4(C8B):c.1157G>A (p.Gly386Asp)

Gene: C8B (complement C8 beta chain; minus strand). Cytogenetic location: 1p32.2.
Variant type: single nucleotide variant.
Coding change: c.1157G>A on transcript NM_000066.4 (MANE Select); coding-DNA position 1157, G replaced by A.
Protein change: p.Gly386Asp; replaces glycine 386 with aspartic acid.
Molecular consequence: missense variant.
Genome position (GRCh38, 1-based): chr1:56,943,773, C>T on the plus strand (G>A on the coding strand, the complement: C8B is on the minus strand). VCF-style: chr1-56943773-C-T. GRCh37 (hg19) VCF-style: chr1-57409446-C-T.
Other names: c.1001G>A, p.Gly334Asp (NM_001278543.2); c.971G>A, p.Gly324Asp (NM_001278544.2); c.1157G>A (NM_000066.2); short protein forms G324D, G334D, G386D.
Identifiers: ClinVar variation 1424327 (VCV001424327.6), dbSNP rs373307501, ClinGen allele CA875732.

ClinVar aggregate classification (germline): Uncertain significance. Review status: criteria provided, multiple submitters, no conflicts (2 of 4 stars). 2 submissions from 2 submitters: Uncertain significance (2). Last evaluated 2021-11-25.

Conditions:
Inborn genetic diseases. Identifiers: MedGen C0950123, MeSH D030342.

Allele frequency attached by ClinVar (database versions not stated): gnomAD 0.00005; ExAC 0.00006; ESP Exome Variant Server 0.00015.
gnomAD v4.1: 44 of 1,613,964 alleles (0.0027%); highest among the groups gnomAD compares: Middle Eastern, 0.033%; no homozygotes.

Submissions (2):

Labcorp Genetics (formerly Invitae), Labcorp
Classification: Uncertain significance. Last evaluated: 2021-11-25. Review status: criteria provided, single submitter. Criteria: Invitae Variant Classification Sherloc (09022015). Collection method: clinical testing. Allele origin: germline.
Comment: In summary, the available evidence is currently insufficient to determine the role of this variant in disease. Therefore, it has been classified as a Variant of Uncertain Significance. Algorithms developed to predict the effect of missense changes on protein structure and function are either unavailable or do not agree on the potential impact of this missense change (SIFT: "Deleterious"; PolyPhen-2: "Possibly Damaging"; Align-GVGD: "Class C0"). This variant has not been reported in the literature in individuals affected with C8B-related conditions. This variant is present in population databases (rs373307501, gnomAD 0.005%). This sequence change replaces glycine, which is neutral and non-polar, with aspartic acid, which is acidic and polar, at codon 386 of the C8B protein (p.Gly386Asp).

Ambry Genetics
Classification: Uncertain significance for Inborn genetic diseases. Last evaluated: 2021-10-20. Review status: criteria provided, single submitter. Criteria: Ambry Variant Classification Scheme 2023. Collection method: clinical testing. Allele origin: germline.